The following is an entry in ClinVar:

ClinVar aggregate classification (germline): Uncertain significance. Review status: criteria provided, multiple submitters, no conflicts (2 of 4 stars). 2 submissions from 2 submitters: Uncertain significance (2). Last evaluated 2025-08-13.

Allele frequency attached by ClinVar (database versions not stated): TOPMed 0.00001; gnomAD 0.00005; gnomAD exomes 0.00005; ExAC 0.00012; 1000 Genomes Project 30x 0.00031; 1000 Genomes Project 0.00040.
gnomAD v4.1: 80 of 1,592,922 alleles (0.005%); highest among the groups gnomAD compares: South Asian, 0.078%; no homozygotes.

Submissions (2):

Ambry Genetics
Classification: Uncertain significance. Last evaluated: 2025-08-13. Review status: criteria provided, single submitter. Criteria: Ambry Variant Classification Scheme 2023. Collection method: clinical testing. Allele origin: germline.

Labcorp Genetics (formerly Invitae), Labcorp
Classification: Uncertain significance. Last evaluated: 2022-05-29. Review status: criteria provided, single submitter. Criteria: Invitae Variant Classification Sherloc (09022015). Collection method: clinical testing. Allele origin: germline.
Comment: This sequence change replaces lysine, which is basic and polar, with arginine, which is basic and polar, at codon 33 of the NCKAP1L protein (p.Lys33Arg). This variant is present in population databases (rs573401725, gnomAD 0.06%). This variant has not been reported in the literature in individuals affected with NCKAP1L-related conditions. Algorithms developed to predict the effect of missense changes on protein structure and function (SIFT, PolyPhen-2, Align-GVGD) all suggest that this variant is likely to be disruptive. Algorithms developed to predict the effect of sequence changes on RNA splicing suggest that this variant may create or strengthen a splice site. In summary, the available evidence is currently insufficient to determine the role of this variant in disease. Therefore, it has been classified as a Variant of Uncertain Significance.

NM_005337.5(NCKAP1L):c.98A>G (p.Lys33Arg)

Genes: NCKAP1L (NCK associated protein 1 like; plus strand), LOC130008017 (ATAC-STARR-seq lymphoblastoid active region 6445; plus strand). Cytogenetic location: 12q13.13.
Variant type: single nucleotide variant.
Coding change: c.98A>G on transcript NM_005337.5 (MANE Select); coding-DNA position 98, A replaced by G.
Protein change: p.Lys33Arg; replaces lysine 33 with arginine.
Molecular consequence: missense variant.
Genome position (GRCh38, 1-based): chr12:54,497,887, A>G. VCF-style: chr12-54497887-A-G. GRCh37 (hg19) VCF-style: chr12-54891671-A-G.
Other names: short protein forms K33R.
Identifiers: ClinVar variation 1933776 (VCV001933776.4), dbSNP rs573401725, ClinGen allele CA6608701.
Genomic context (GRCh38, chr12:54,497,887, plus strand): 5'-AGAAGCTCACTATCCTGAATGATCGCGGTCAGGGGGTTCTCATCCGTATGTATAACATCA[A>G]GAAGGTAAGCATGAACAATGGGACTAGTACTGATTATTCCAACAATAATAGGGCAGGGAA-3'
Protein context (NP_005328.2, residues 23-43): QGVLIRMYNI[Lys33Arg]KTCSDPKSKP